The following is an entry in ClinVar:

NM_000059.4(BRCA2):c.7806-12T>G

Gene: BRCA2 (BRCA2 DNA repair associated; plus strand). Cytogenetic location: 13q13.1.
Variant type: single nucleotide variant.
Coding change: c.7806-12T>G on transcript NM_000059.4 (MANE Select); 12 bases into the intron before coding-DNA position 7806, T replaced by G.
Molecular consequence: intron variant.
Genome position (GRCh38, 1-based): chr13:32,362,511, T>G. VCF-style: chr13-32362511-T-G. GRCh37 (hg19) VCF-style: chr13-32936648-T-G.
Other names: c.7806-12T>G (NM_001432077.1, NM_001406720.1); c.7710-12T>G (NM_001406719.1); c.2874-12T>G (NM_001406721.1); c.1389-12T>G (NM_001406722.1).
Identifiers: ClinVar variation 4727191 (VCV004727191.1).

ClinVar aggregate classification (germline): Uncertain significance (1 of 4 stars; one submission).

Conditions:
Hereditary breast ovarian cancer syndrome. Also called: Hereditary breast and/or ovarian cancer syndrome; Hereditary breast and ovarian cancer syndrome; Breast and ovarian cancer; Hereditary breast and ovarian cancer syndrome (HBOC); BRCA1- and BRCA2-Associated Hereditary Breast and Ovarian Cancer; Hereditary breast and ovarian cancer. Identifiers: Orphanet 145, MedGen C0677776, MeSH D061325, MONDO:0003582. Disease mechanism: loss of function.

Submission:

Labcorp Genetics (formerly Invitae), Labcorp
Classification: Uncertain significance for Hereditary breast ovarian cancer syndrome. Last evaluated: 2025-09-15. Review status: criteria provided, single submitter. Criteria: Invitae Variant Classification Sherloc (09022015). Collection method: clinical testing. Allele origin: germline.
Comment: This sequence change falls in intron 16 of the BRCA2 gene. It does not directly change the encoded amino acid sequence of the BRCA2 protein. This variant is not present in population databases (gnomAD no frequency). This variant has not been reported in the literature in individuals affected with BRCA2-related conditions. Algorithms developed to predict the effect of sequence changes on RNA splicing suggest that this variant may disrupt the consensus splice site. In summary, the available evidence is currently insufficient to determine the role of this variant in disease. Therefore, it has been classified as a Variant of Uncertain Significance.